The following is an entry in ClinVar:

NM_033380.3(COL4A5):c.4703_4706+3del

Gene: COL4A5 (collagen type IV alpha 5 chain; plus strand). Cytogenetic location: Xq22.3.
Variant type: Deletion.
Coding change: c.4703_4706+3del on transcript NM_033380.3 (MANE Select); coding-DNA position 4703 through 3 bases into the intron after coding-DNA position 4706, 7 bases deleted (GTCGGTA; older notation c.4703_4706+3delGTCGGTA).
Molecular consequence: splice donor variant.
Genome position (GRCh38, 1-based): chrX:108,692,922-108,692,928, GTCGGTA deleted; deleting any 7 consecutive bases within chrX:108,692,920-108,692,928 gives the same sequence; the c. name uses the placement nearest the transcript's 3' end. VCF-style (leftmost placement, unchanged base first): chrX-108692919-TTAGTCGG-T. GRCh37 (hg19) VCF-style: chrX-107936149-TTAGTCGG-T.
Other names: c.4685_4688+3del (NM_000495.5).
Identifiers: ClinVar variation 962777 (VCV000962777.7), dbSNP rs2068660300, ClinGen allele CA1139667750.

ClinVar aggregate classification (germline): Likely pathogenic (1 of 4 stars; one submission).

Submission:

Labcorp Genetics (formerly Invitae), Labcorp
Classification: Likely pathogenic. Last evaluated: 2019-08-24. Review status: criteria provided, single submitter. Criteria: Invitae Variant Classification Sherloc (09022015). Collection method: clinical testing. Allele origin: germline.
Comment: In summary, the currently available evidence indicates that the variant is pathogenic, but additional data are needed to prove that conclusively. Therefore, this variant has been classified as Likely Pathogenic. Loss-of-function variants in COL4A5 are known to be pathogenic (PMID: 9195222, 10752524, 14514738, 24854265, 26809805). This variant has not been reported in the literature in individuals with COL4A5-related conditions. This variant results in the deletion of part of exon 48 (c.4685_4688+3del) of the COL4A5 gene. It is expected to disrupt RNA splicing and likely results in an absent or disrupted protein product.

Literature cited by the submitters: PubMed 9195222; PubMed 10752524; PubMed 14514738; PubMed 24854265; PubMed 26809805.